The following is an entry in ClinVar:

NM_006364.4(SEC23A):c.500T>C (p.Ile167Thr)

Gene: SEC23A (SEC23 homolog A, COPII component; minus strand). Cytogenetic location: 14q21.1.
Variant type: single nucleotide variant.
Coding change: c.500T>C on transcript NM_006364.4 (MANE Select); coding-DNA position 500, T replaced by C.
Protein change: p.Ile167Thr; replaces isoleucine 167 with threonine.
Molecular consequence: missense variant.
Genome position (GRCh38, 1-based): chr14:39,091,580, A>G on the plus strand (T>C on the coding strand, the complement: SEC23A is on the minus strand). VCF-style: chr14-39091580-A-G. GRCh37 (hg19) VCF-style: chr14-39560784-A-G.
Other names: p.Ile167Thr; short protein forms I167T.
Identifiers: ClinVar variation 710708 (VCV000710708.11), dbSNP rs144765020, ClinGen allele CA7162126.

ClinVar aggregate classification (germline): Conflicting classifications of pathogenicity. Review status: criteria provided, conflicting classifications (1 of 4 stars). 3 submissions from 3 submitters: Uncertain significance (1); Likely benign (2). Last evaluated 2026-01-16.

Conditions:
Craniolenticulosutural dysplasia (CLSD). Also called: BOYADJIEV-JABS SYNDROME. Identifiers: Orphanet 50814, MedGen C1843042, MONDO:0011911, OMIM 607812.

Allele frequency attached by ClinVar (database versions not stated): 1000 Genomes Project 30x 0.00016; 1000 Genomes Project 0.00020; TOPMed 0.00023; ESP Exome Variant Server 0.00031; ExAC 0.00072; gnomAD 0.00079 and 0.00086; gnomAD exomes 0.00095.
gnomAD v4.1: 1,028 of 1,614,050 alleles (0.064%); highest among the groups gnomAD compares: South Asian, 0.15%; 8 homozygotes.

Submissions (3):

Labcorp Genetics (formerly Invitae), Labcorp
Classification: Likely benign for Craniolenticulosutural dysplasia. Last evaluated: 2026-01-16. Review status: criteria provided, single submitter. Criteria: Invitae Variant Classification Sherloc (09022015). Collection method: clinical testing. Allele origin: germline.

Mayo Clinic Laboratories, Mayo Clinic
Classification: Uncertain significance. Last evaluated: 2023-04-18. Review status: criteria provided, single submitter. Criteria: ACMG Guidelines, 2015. Collection method: clinical testing. Allele origin: germline. Observed: 1 variant allele.
Comment: BS1, PP3

Breakthrough Genomics
Classification: Likely benign. Review status: criteria provided, single submitter. Criteria: ACMG Guidelines, 2015. Collection method: not provided. Allele origin: germline. Inheritance: Autosomal recessive inheritance. Affected: yes.